The following is an entry in ClinVar:

ClinVar aggregate classification (germline): Pathogenic/Likely pathogenic. Review status: criteria provided, multiple submitters, no conflicts (2 of 4 stars). 2 submissions from 2 submitters: Pathogenic (1); Likely pathogenic (1). Last evaluated 2017-12-30.

Conditions:
Congenital generalized lipodystrophy type 2 (CGL2). Also called: BERARDINELLI SYNDROME; BRUNZELL SYNDROME, BSCL2-RELATED; SEIP SYNDROME; Berardinelli-Seip Congenital Lipodystrophy Type 2. Identifiers: Orphanet 528, Orphanet 696289, MedGen C1720863, MONDO:0010020, OMIM 269700.

gnomAD v4.1: 1 of 1,614,226 alleles (0.000062%); no homozygotes.

Submissions (2):

Department of Genetics, Sultan Qaboos University Hospital
Classification: Pathogenic for Congenital generalized lipodystrophy type 2. Last evaluated: 2017-12-30. Review status: criteria provided, single submitter. Criteria: ACMG Guidelines, 2015. Collection method: curation. Allele origin: unknown. Affected: yes.

GeneDx
Classification: Likely pathogenic. Last evaluated: 2015-10-09. Review status: criteria provided, single submitter. Criteria: GeneDx Variant Classification (06012015). Collection method: clinical testing. Allele origin: germline. Affected: yes.
Comment: A novel c.814-2 A>G variant that is likely pathogenic has been identified in the BSCL2 gene. The c.814-2 A>G variant has not been published as a pathogenic variant, nor has it been reported as a benign variant to our knowledge. It was not observed in approximately 6,500 individuals of European and African American ancestry in the NHLBI Exome Sequencing Project, indicating it is not a common benign variant in these populations. The c.814-2 A>G variant destroys the canonical splice acceptor site of intron 7 and is predicted to cause abnormal gene splicing, either leading to an abnormal message that is subject to nonsense-mediated mRNA decay, or to an abnormal protein product if the message is used for protein translation. Therefore, this variant is likely pathogenic; however, the possibility that it is benign cannot be excluded.

NM_001122955.4(BSCL2):c.1006-2A>G

Genes: BSCL2 (BSCL2 lipid droplet biogenesis associated, seipin; minus strand), HNRNPUL2-BSCL2 (HNRNPUL2-BSCL2 readthrough (NMD candidate); minus strand). Cytogenetic location: 11q12.3.
Variant type: single nucleotide variant.
Coding change: c.1006-2A>G on transcript NM_001122955.4 (MANE Select); the canonical splice acceptor site of the intron before coding-DNA position 1006, A replaced by G.
Molecular consequence: splice acceptor variant.
Genome position (GRCh38, 1-based): chr11:62,691,143, T>C on the plus strand (A>G on the coding strand, the complement: BSCL2 is on the minus strand). VCF-style: chr11-62691143-T-C. GRCh37 (hg19) VCF-style: chr11-62458615-T-C.
Other names: c.672-2A>G (NM_001130702.2); c.814-2A>G (NM_032667.6); c.1006-2A>G (NM_001386028.1, NM_001386027.1).
Identifiers: ClinVar variation 245977 (VCV000245977.4), dbSNP rs879254029, ClinGen allele CA10584383.
Genomic context (GRCh38, chr11:62,691,143, plus strand): 5'-TGAGCAGAGATCCTTCGTTGGACTTCCTTCCGGGAATTGTCTCTTTTTCGGATGTTAACC[T>C]GTGGAGGAAAAACTACTGAGCAGCCAGGACTGACTTCCCTCACTAACAATCAGGACCCTC-3'